The following is an entry in ClinVar:

NM_001040108.2(MLH3):c.2868C>A (p.Asn956Lys)

Gene: MLH3 (mutL homolog 3; minus strand). Cytogenetic location: 14q24.3.
Variant type: single nucleotide variant.
Coding change: c.2868C>A on transcript NM_001040108.2 (MANE Select); coding-DNA position 2868, C replaced by A.
Protein change: p.Asn956Lys; replaces asparagine 956 with lysine.
Molecular consequence: missense variant.
Genome position (GRCh38, 1-based): chr14:75,046,788, G>T on the plus strand (C>A on the coding strand, the complement: MLH3 is on the minus strand). VCF-style: chr14-75046788-G-T. GRCh37 (hg19) VCF-style: chr14-75513491-G-T.
Other names: c.2868C>A, p.Asn956Lys (NM_014381.3); short protein forms N956K.
Identifiers: ClinVar variation 3396789 (VCV003396789.1).
Genomic context (GRCh38, chr14:75,046,788, plus strand): 5'-ATTATTATAGGGCAATACCAAAGGAGTTTCTGATATCACACAGTTCTCTGTTGTATTGCT[G>T]TTAGAATGTGTTTTACTATTTTTATTAAAGGAATTATCCTGTGTGGCAGAATCTGATGTT-3'
Protein context (NP_001035197.1, residues 946-966): SFNKNSKTHS[Asn956Lys]SNTTENCVIS

ClinVar aggregate classification (germline): Uncertain significance (1 of 4 stars; one submission).

Submission:

Ambry Genetics
Classification: Uncertain significance. Last evaluated: 2024-12-08. Review status: criteria provided, single submitter. Criteria: Ambry Variant Classification Scheme 2023. Collection method: clinical testing. Allele origin: germline.
Comment: The p.N956K variant (also known as c.2868C>A), located in coding exon 1 of the MLH3 gene, results from a C to A substitution at nucleotide position 2868. The asparagine at codon 956 is replaced by lysine, an amino acid with similar properties. This amino acid position is conserved. In addition, this alteration is predicted to be tolerated by in silico analysis. Based on the available evidence, the clinical significance of this variant remains unclear.